The following is an entry in ClinVar:

NM_003638.3(ITGA8):c.3189A>G (p.Ala1063=)

Gene: ITGA8 (integrin subunit alpha 8; minus strand). Cytogenetic location: 10p13.
Variant type: single nucleotide variant.
Coding change: c.3189A>G on transcript NM_003638.3 (MANE Select); coding-DNA position 3189, A replaced by G.
Protein change: p.Ala1063=; no amino-acid change (alanine 1063 retained).
Molecular consequence: synonymous variant.
Genome position (GRCh38, 1-based): chr10:15,517,161, T>C on the plus strand (A>G on the coding strand, the complement: ITGA8 is on the minus strand). VCF-style: chr10-15517161-T-C. GRCh37 (hg19) VCF-style: chr10-15559160-T-C.
Other names: c.3144A>G, p.Ala1048= (NM_001291494.2).
Identifiers: ClinVar variation 2055427 (VCV002055427.28), dbSNP rs142568425, ClinGen allele CA5419584.

ClinVar aggregate classification (germline): Likely benign. Review status: criteria provided, multiple submitters, no conflicts (2 of 4 stars). 2 submissions from 2 submitters: Likely benign (2). Last evaluated 2025-11-01.

Allele frequency attached by ClinVar (database versions not stated): gnomAD 0.00021; TOPMed 0.00028; ExAC 0.00037; gnomAD exomes 0.00037; ESP Exome Variant Server 0.00054.
gnomAD v4.1: 559 of 1,610,116 alleles (0.035%); highest among the groups gnomAD compares: Non-Finnish European, 0.046%; no homozygotes.

Submissions (2):

Labcorp Genetics (formerly Invitae), Labcorp
Classification: Likely benign. Last evaluated: 2025-11-01. Review status: criteria provided, single submitter. Criteria: Invitae Variant Classification Sherloc (09022015). Collection method: clinical testing. Allele origin: germline.

CeGaT Center for Human Genetics Tuebingen
Classification: Likely benign. Last evaluated: 2022-07-01. Review status: criteria provided, single submitter. Criteria: CeGaT Center For Human Genetics Tuebingen Variant Classification Criteria Version 2. Collection method: clinical testing. Allele origin: germline. Affected: yes. Observed: 1 variant allele.
Comment: ITGA8: BP4, BP7